The following is an entry in ClinVar:

ClinVar aggregate classification (germline): Uncertain significance. Review status: criteria provided, multiple submitters, no conflicts (2 of 4 stars). 2 submissions from 2 submitters: Uncertain significance (2). Last evaluated 2025-06-07.

Conditions:
Cardiovascular phenotype. Identifiers: MedGen CN230736.

Submissions (2):

Ambry Genetics
Classification: Uncertain significance for Cardiovascular phenotype. Last evaluated: 2025-06-07. Review status: criteria provided, single submitter. Criteria: Ambry Variant Classification Scheme 2023. Collection method: clinical testing. Allele origin: germline.

GeneDx
Classification: Uncertain significance. Last evaluated: 2023-01-30. Review status: criteria provided, single submitter. Criteria: GeneDx Variant Classification Process June 2021. Collection method: clinical testing. Allele origin: germline. Affected: yes.
Comment: Not observed at significant frequency in large population cohorts (gnomAD); In silico analysis supports that this missense variant has a deleterious effect on protein structure/function; Has not been previously published as pathogenic or benign to our knowledge

NM_007078.3(LDB3):c.1645C>T (p.Pro549Ser)

Gene: LDB3 (LIM domain binding 3; plus strand). Cytogenetic location: 10q23.2.
Variant type: single nucleotide variant.
Coding change: c.1645C>T on transcript NM_007078.3 (MANE Select); coding-DNA position 1645, C replaced by T.
Protein change: p.Pro549Ser; replaces proline 549 with serine.
Molecular consequence: missense variant.
Genome position (GRCh38, 1-based): chr10:86,716,740, C>T. VCF-style: chr10-86716740-C-T. GRCh37 (hg19) VCF-style: chr10-88476497-C-T.
Other names: c.1315C>T, p.Pro439Ser (NM_001080114.2); c.1660C>T, p.Pro554Ser (NM_001171610.2); c.1456C>T, p.Pro486Ser (NM_001368064.1, NM_001368065.1); c.1504C>T, p.Pro502Ser (NM_001368066.1); short protein forms P439S, P486S, P502S, P549S, P554S.
Identifiers: ClinVar variation 2574524 (VCV002574524.2), dbSNP rs1238404909, ClinGen allele CA377451647.